The following is an entry in ClinVar:

ClinVar aggregate classification (germline): Benign/Likely benign. Review status: criteria provided, multiple submitters, no conflicts (2 of 4 stars). 3 submissions from 3 submitters: Benign (1); Likely benign (1). 1 of the submissions does not count toward it. Last evaluated 2025-12-25.

Conditions:
AP5Z1-related disorder. Also called: AP5Z1-related condition.
Hereditary spastic paraplegia 48. Also called: SPASTIC PARAPLEGIA 48, AUTOSOMAL RECESSIVE; Spastic paraplegia 48. Identifiers: Orphanet 306511, MedGen C3150901, MONDO:0013342, OMIM 613647.

Allele frequency attached by ClinVar (database versions not stated): ExAC 0.00028; ESP Exome Variant Server 0.00041; gnomAD 0.00080 and 0.00084; TOPMed 0.00099; 1000 Genomes Project 0.00140; 1000 Genomes Project 30x 0.00156.
gnomAD v4.1: 251 of 1,540,312 alleles (0.016%); highest among the groups gnomAD compares: African/African-American, 0.31%; no homozygotes.

Submissions (3):

Labcorp Genetics (formerly Invitae), Labcorp
Classification: Benign for Hereditary spastic paraplegia 48. Last evaluated: 2025-12-25. Review status: criteria provided, single submitter. Criteria: Invitae Variant Classification Sherloc (09022015). Collection method: clinical testing. Allele origin: germline.

Mayo Clinic Laboratories, Mayo Clinic
Classification: Likely benign. Last evaluated: 2025-09-02. Review status: criteria provided, single submitter. Criteria: ACMG Guidelines, 2015. Collection method: clinical testing. Allele origin: germline. Observed: 1 variant allele.
Comment: BS1, BP4, BP7

PreventionGenetics, part of Exact Sciences
Classification: Likely benign for AP5Z1-related condition. Last evaluated: 2022-08-10. Review status: no assertion criteria provided. Collection method: clinical testing. Allele origin: germline. Not counted in ClinVar's aggregate classification.
Comment: This variant is classified as likely benign based on ACMG/AMP sequence variant interpretation guidelines (Richards et al. 2015 PMID: 25741868, with internal and published modifications).

NM_014855.3(AP5Z1):c.1434G>A (p.Ala478=)

Gene: AP5Z1 (adaptor related protein complex 5 subunit zeta 1; plus strand). Cytogenetic location: 7p22.1.
Variant type: single nucleotide variant.
Coding change: c.1434G>A on transcript NM_014855.3 (MANE Select); coding-DNA position 1434, G replaced by A.
Protein change: p.Ala478=; no amino-acid change (alanine 478 retained).
Molecular consequence: synonymous variant. On other transcripts: non-coding transcript variant (1).
Genome position (GRCh38, 1-based): chr7:4,787,756, G>A. VCF-style: chr7-4787756-G-A. GRCh37 (hg19) VCF-style: chr7-4827387-G-A.
Other names: p.Ala478=; c.966G>A, p.Ala322= (NM_001364858.1).
Identifiers: ClinVar variation 698666 (VCV000698666.12), dbSNP rs75185826, ClinGen allele CA4137805.